The following is an entry in ClinVar:

NM_016006.6(ABHD5):c.507-4A>G

Gene: ABHD5 (abhydrolase domain containing 5, lysophosphatidic acid acyltransferase; plus strand). Cytogenetic location: 3p21.33.
Variant type: single nucleotide variant.
Coding change: c.507-4A>G on transcript NM_016006.6 (MANE Select); 4 bases into the intron before coding-DNA position 507, A replaced by G.
Molecular consequence: intron variant.
Genome position (GRCh38, 1-based): chr3:43,711,705, A>G. VCF-style: chr3-43711705-A-G. GRCh37 (hg19) VCF-style: chr3-43753197-A-G.
Other names: c.507-4A>G (NM_001365650.1, NM_001355186.2); c.384-4A>G (NM_001365649.1).
Identifiers: ClinVar variation 1986005 (VCV001986005.4), dbSNP rs756234827, ClinGen allele CA2341365.

ClinVar aggregate classification (germline): Uncertain significance (1 of 4 stars; one submission).

Allele frequency attached by ClinVar (database versions not stated): ExAC 0.00001; gnomAD 0.00001; gnomAD exomes 0.00001; TOPMed 0.00006.
gnomAD v4.1: 14 of 1,613,994 alleles (0.00087%); highest among the groups gnomAD compares: Admixed American, 0.0033%; no homozygotes.

Submission:

Labcorp Genetics (formerly Invitae), Labcorp
Classification: Uncertain significance. Last evaluated: 2022-08-22. Review status: criteria provided, single submitter. Criteria: Invitae Variant Classification Sherloc (09022015). Collection method: clinical testing. Allele origin: germline.
Comment: In summary, the available evidence is currently insufficient to determine the role of this variant in disease. Therefore, it has been classified as a Variant of Uncertain Significance. Algorithms developed to predict the effect of sequence changes on RNA splicing suggest that this variant may create or strengthen a splice site. This variant has not been reported in the literature in individuals affected with ABHD5-related conditions. This variant is present in population databases (rs756234827, gnomAD 0.007%). This sequence change falls in intron 3 of the ABHD5 gene. It does not directly change the encoded amino acid sequence of the ABHD5 protein.